The following is an entry in ClinVar:

ClinVar aggregate classification (germline): Uncertain significance (1 of 4 stars; one submission).

Conditions:
Hereditary cancer-predisposing syndrome. Also called: Neoplastic Syndromes, Hereditary; Tumor predisposition; Hereditary neoplastic syndrome; Hereditary Cancer Syndrome. Identifiers: Orphanet 140162, MedGen C0027672, MeSH D009386, MONDO:0015356.

Submission:

Color Diagnostics, LLC DBA Color Health
Classification: Uncertain significance for Hereditary cancer-predisposing syndrome. Last evaluated: 2023-12-04. Review status: criteria provided, single submitter. Criteria: ACMG Guidelines, 2015. Collection method: clinical testing. Allele origin: germline.
Comment: This missense variant replaces asparagine with serine at codon 225 of the BRIP1 protein. Computational prediction suggests that this variant may not impact protein structure and function (internally defined REVEL score threshold <= 0.5, PMID: 27666373). To our knowledge, functional studies have not been reported for this variant. This variant has not been reported in individuals affected with BRIP1-related disorders in the literature. This variant has not been identified in the general population by the Genome Aggregation Database (gnomAD). The available evidence is insufficient to determine the role of this variant in disease conclusively. Therefore, this variant is classified as a Variant of Uncertain Significance.

NM_032043.3(BRIP1):c.674A>G (p.Asn225Ser)

Gene: BRIP1 (BRCA1 interacting DNA helicase 1; minus strand). Cytogenetic location: 17q23.2.
Variant type: single nucleotide variant.
Coding change: c.674A>G on transcript NM_032043.3 (MANE Select); coding-DNA position 674, A replaced by G.
Protein change: p.Asn225Ser; replaces asparagine 225 with serine.
Molecular consequence: missense variant.
Genome position (GRCh38, 1-based): chr17:61,808,711, T>C on the plus strand (A>G on the coding strand, the complement: BRIP1 is on the minus strand). VCF-style: chr17-61808711-T-C. GRCh37 (hg19) VCF-style: chr17-59886072-T-C.
Other names: short protein forms N225S.
Identifiers: ClinVar variation 629677 (VCV000629677.5), dbSNP rs1567838461, ClinGen allele CA400485157.